The following is an entry in ClinVar:

ClinVar aggregate classification (germline): Uncertain significance (1 of 4 stars; one submission).

Allele frequency attached by ClinVar (database versions not stated): gnomAD 0.00001; gnomAD exomes 0.00002; TOPMed 0.00003.
gnomAD v4.1: 20 of 1,351,136 alleles (0.0015%); highest among the groups gnomAD compares: East Asian, 0.012%; no homozygotes.

Submission:

Labcorp Genetics (formerly Invitae), Labcorp
Classification: Uncertain significance. Last evaluated: 2022-10-21. Review status: criteria provided, single submitter. Criteria: Invitae Variant Classification Sherloc (09022015). Collection method: clinical testing. Allele origin: germline.
Comment: In summary, the available evidence is currently insufficient to determine the role of this variant in disease. Therefore, it has been classified as a Variant of Uncertain Significance. Experimental studies and prediction algorithms are not available or were not evaluated, and the functional significance of this variant is currently unknown. This variant has not been reported in the literature in individuals affected with C2CD3-related conditions. The frequency data for this variant in the population databases is considered unreliable, as metrics indicate poor data quality at this position in the gnomAD database. This sequence change replaces glutamic acid, which is acidic and polar, with lysine, which is basic and polar, at codon 2311 of the C2CD3 protein (p.Glu2311Lys). The C2CD3 gene has multiple clinically relevant transcripts. This variant occurs in alternate transcript NM_001286577.1, and corresponds to NM_015531.5:c.*21082G>A in the primary transcript.

NM_001286577.2(C2CD3):c.6931G>A (p.Glu2311Lys)

Gene: C2CD3 (C2 domain containing 3 centriole elongation regulator; minus strand). Cytogenetic location: 11q13.4.
Variant type: single nucleotide variant.
Coding change: c.6931G>A on transcript NM_001286577.2 (MANE Select); coding-DNA position 6931, G replaced by A.
Protein change: p.Glu2311Lys; replaces glutamic acid 2311 with lysine.
Molecular consequence: missense variant.
Genome position (GRCh38, 1-based): chr11:74,013,516, C>T on the plus strand (G>A on the coding strand, the complement: C2CD3 is on the minus strand). VCF-style: chr11-74013516-C-T. GRCh37 (hg19) VCF-style: chr11-73724561-C-T.
Other names: short protein forms E2311K.
Identifiers: ClinVar variation 2056726 (VCV002056726.2), dbSNP rs768947405, ClinGen allele CA224490607.